The following is an entry in ClinVar:

ClinVar aggregate classification (germline): Uncertain significance (1 of 4 stars; one submission).

Allele frequency attached by ClinVar (database versions not stated): gnomAD exomes below 0.00001.
gnomAD v4.1: 2 of 1,612,754 alleles (0.00012%); highest among the groups gnomAD compares: East Asian, 0.0022%; no homozygotes.

Submission:

Labcorp Genetics (formerly Invitae), Labcorp
Classification: Uncertain significance. Last evaluated: 2022-02-17. Review status: criteria provided, single submitter. Criteria: Invitae Variant Classification Sherloc (09022015). Collection method: clinical testing. Allele origin: germline.
Comment: This variant is present in population databases (no rsID available, gnomAD 0.007%). This sequence change replaces leucine, which is neutral and non-polar, with serine, which is neutral and polar, at codon 150 of the ATR protein (p.Leu150Ser). This variant has not been reported in the literature in individuals affected with ATR-related conditions. In summary, the available evidence is currently insufficient to determine the role of this variant in disease. Therefore, it has been classified as a Variant of Uncertain Significance. Algorithms developed to predict the effect of sequence changes on RNA splicing suggest that this variant is not likely to affect RNA splicing. Algorithms developed to predict the effect of missense changes on protein structure and function are either unavailable or do not agree on the potential impact of this missense change (SIFT: "Deleterious"; PolyPhen-2: "Probably Damaging"; Align-GVGD: "Class C0").

NM_001184.4(ATR):c.449T>C (p.Leu150Ser)

Gene: ATR (ATR checkpoint kinase; minus strand). Cytogenetic location: 3q23.
Variant type: single nucleotide variant.
Coding change: c.449T>C on transcript NM_001184.4 (MANE Select); coding-DNA position 449, T replaced by C.
Protein change: p.Leu150Ser; replaces leucine 150 with serine.
Molecular consequence: missense variant.
Genome position (GRCh38, 1-based): chr3:142,562,953, A>G on the plus strand (T>C on the coding strand, the complement: ATR is on the minus strand). VCF-style: chr3-142562953-A-G. GRCh37 (hg19) VCF-style: chr3-142281795-A-G.
Other names: c.449T>C, p.Leu150Ser (NM_001354579.2); short protein forms L150S.
Identifiers: ClinVar variation 2042662 (VCV002042662.4), dbSNP rs1374171612, ClinGen allele CA354826933.